The following is an entry in ClinVar:

ClinVar aggregate classification (germline): Uncertain significance (1 of 4 stars; one submission).

Conditions:
Inborn genetic diseases. Identifiers: MedGen C0950123, MeSH D030342.

Submission:

Ambry Genetics
Classification: Uncertain significance for Inborn genetic diseases. Last evaluated: 2022-04-08. Review status: criteria provided, single submitter. Criteria: Ambry Variant Classification Scheme 2023. Collection method: clinical testing. Allele origin: germline.
Comment: The p.S703P variant (also known as c.2107T>C), located in coding exon 13 of the EPAS1 gene, results from a T to C substitution at nucleotide position 2107. The serine at codon 703 is replaced by proline, an amino acid with similar properties. This amino acid position is conserved. In addition, the in silico prediction for this alteration is inconclusive. Since supporting evidence is limited at this time, the clinical significance of this alteration remains unclear.

NM_001430.5(EPAS1):c.2107T>C (p.Ser703Pro)

Gene: EPAS1 (endothelial PAS domain protein 1; plus strand). Cytogenetic location: 2p21.
Variant type: single nucleotide variant.
Coding change: c.2107T>C on transcript NM_001430.5 (MANE Select); coding-DNA position 2107, T replaced by C.
Protein change: p.Ser703Pro; replaces serine 703 with proline.
Molecular consequence: missense variant.
Genome position (GRCh38, 1-based): chr2:46,381,657, T>C. VCF-style: chr2-46381657-T-C. GRCh37 (hg19) VCF-style: chr2-46608796-T-C.
Other names: short protein forms S703P.
Identifiers: ClinVar variation 1786006 (VCV001786006.2), dbSNP rs886056088, ClinGen allele CA346705543.